The following is an entry in ClinVar:

ClinVar aggregate classification (germline): Uncertain significance. Review status: criteria provided, multiple submitters, no conflicts (2 of 4 stars). 3 submissions from 3 submitters: Uncertain significance (3). Last evaluated 2025-04-17.

Conditions:
Juvenile polyposis syndrome (JPS). Identifiers: Orphanet 2929, MedGen C0345893, MONDO:0017380, OMIM 174900.
Hereditary cancer-predisposing syndrome. Also called: Tumor predisposition; Hereditary neoplastic syndrome; Neoplastic Syndromes, Hereditary; Hereditary Cancer Syndrome. Identifiers: Orphanet 140162, MedGen C0027672, MeSH D009386, MONDO:0015356.

Submissions (3):

Ambry Genetics
Classification: Uncertain significance for Hereditary cancer-predisposing syndrome. Last evaluated: 2025-04-17. Review status: criteria provided, single submitter. Criteria: Ambry Variant Classification Scheme 2023. Collection method: clinical testing. Allele origin: germline.
Comment: The c.1166+3delG intronic variant, located in intron 8 of the BMPR1A gene, results from a deletion of one nucleotide within intron 8 of the BMPR1A gene. This nucleotide position is well conserved in available vertebrate species. In silico splice site analysis predicts that this alteration will not have any significant effect on splicing. Based on the available evidence, the clinical significance of this variant remains unclear.

Labcorp Genetics (formerly Invitae), Labcorp
Classification: Uncertain significance for Juvenile polyposis syndrome. Last evaluated: 2024-04-23. Review status: criteria provided, single submitter. Criteria: Invitae Variant Classification Sherloc (09022015). Collection method: clinical testing. Allele origin: germline.
Comment: This sequence change falls in intron 10 of the BMPR1A gene. It does not directly change the encoded amino acid sequence of the BMPR1A protein. It affects a nucleotide within the consensus splice site. This variant is not present in population databases (gnomAD no frequency). This variant has not been reported in the literature in individuals affected with BMPR1A-related conditions. ClinVar contains an entry for this variant (Variation ID: 2503381). Variants that disrupt the consensus splice site are a relatively common cause of aberrant splicing (PMID: 17576681, 9536098). Algorithms developed to predict the effect of sequence changes on RNA splicing suggest that this variant is not likely to affect RNA splicing. In summary, the available evidence is currently insufficient to determine the role of this variant in disease. Therefore, it has been classified as a Variant of Uncertain Significance.

GeneDx
Classification: Uncertain significance. Last evaluated: 2022-11-29. Review status: criteria provided, single submitter. Criteria: GeneDx Variant Classification Process June 2021. Collection method: clinical testing. Allele origin: germline. Affected: yes.
Comment: Not observed at significant frequency in large population cohorts (gnomAD); In silico analysis is inconclusive as to whether the variant alters gene splicing. In the absence of RNA/functional studies, the actual effect of this sequence change is unknown.; Has not been previously published as pathogenic or benign to our knowledge

Literature cited by the submitters: PubMed 17576681 (cited by Labcorp Genetics (formerly Invitae), Labcorp); PubMed 9536098 (cited by Labcorp Genetics (formerly Invitae), Labcorp).

NM_004329.3(BMPR1A):c.1166+3del

Gene: BMPR1A (bone morphogenetic protein receptor type 1A; plus strand). Cytogenetic location: 10q23.2.
Variant type: Deletion.
Coding change: c.1166+3del on transcript NM_004329.3 (MANE Select); 3 bases into the intron after coding-DNA position 1166, one base deleted (G; older notation c.1166+3delG).
Molecular consequence: intron variant.
Genome position (GRCh38, 1-based): chr10:86,919,472, G deleted. VCF-style (leftmost placement, unchanged base first): chr10-86919471-TG-T. GRCh37 (hg19) VCF-style: chr10-88679228-TG-T.
Other names: c.1166+3delG (NM_004329.2); c.1166+3del (NM_001406562.1, NM_001406568.1, NM_001406567.1 and 19 more transcripts); c.1082+3del (NM_001406584.1, NM_001406588.1, NM_001406587.1 and 2 more transcripts); c.1214+3del (NM_001406560.1); c.1241+3del (NM_001406559.1); c.1160+3del (NM_001406583.1); c.824+3del (NM_001406589.1).
Identifiers: ClinVar variation 2503381 (VCV002503381.5), dbSNP rs2539624223, ClinGen allele CA2580615539.